The following is an entry in ClinVar:

NM_001005373.4(LRSAM1):c.2086T>A (p.Cys696Ser)

Gene: LRSAM1 (leucine rich repeat and sterile alpha motif containing 1; plus strand). Cytogenetic location: 9q34.11.
Variant type: single nucleotide variant.
Coding change: c.2086T>A on transcript NM_001005373.4 (MANE Select); coding-DNA position 2086, T replaced by A.
Protein change: p.Cys696Ser; replaces cysteine 696 with serine.
Molecular consequence: missense variant. On other transcripts: non-coding transcript variant (2).
Genome position (GRCh38, 1-based): chr9:127,502,813, T>A. VCF-style: chr9-127502813-T-A. GRCh37 (hg19) VCF-style: chr9-130265092-T-A.
Other names: c.2086T>A, p.Cys696Ser (NM_001005374.4, NM_001384142.1, NM_138361.5); c.2005T>A, p.Cys669Ser (NM_001190723.3); c.1987T>A, p.Cys663Ser (NM_001384143.1); c.1297T>A, p.Cys433Ser (NM_001384144.1); short protein forms C433S, C663S, C669S, C696S.
Identifiers: ClinVar variation 1060557 (VCV001060557.9), dbSNP rs2132133880, ClinGen allele CA374938729.

ClinVar aggregate classification (germline): Uncertain significance (1 of 4 stars; one submission).

Conditions:
Charcot-Marie-Tooth disease axonal type 2P. Also called: Charcot-Marie-Tooth Neuropathy Type 2G; CHARCOT-MARIE-TOOTH NEUROPATHY, TYPE 2P; CHARCOT-MARIE-TOOTH DISEASE, AXONAL, TYPE 2G; CMT 2G. Identifiers: Orphanet 300319, Orphanet 99941, MedGen C3280797, MONDO:0013753, OMIM 614436.

Submission:

Labcorp Genetics (formerly Invitae), Labcorp
Classification: Uncertain significance for Charcot-Marie-Tooth disease axonal type 2P. Last evaluated: 2020-04-17. Review status: criteria provided, single submitter. Criteria: Invitae Variant Classification Sherloc (09022015). Collection method: clinical testing. Allele origin: germline.
Comment: In summary, the available evidence is currently insufficient to determine the role of this variant in disease. Therefore, it has been classified as a Variant of Uncertain Significance. Algorithms developed to predict the effect of sequence changes on RNA splicing suggest that this variant may create or strengthen a splice site, but this prediction has not been confirmed by published transcriptional studies. Algorithms developed to predict the effect of missense changes on protein structure and function (SIFT, PolyPhen-2, Align-GVGD) all suggest that this variant is likely to be disruptive, but these predictions have not been confirmed by published functional studies and their clinical significance is uncertain. This variant has not been reported in the literature in individuals with LRSAM1-related conditions. This variant is not present in population databases (ExAC no frequency). This sequence change replaces cysteine with serine at codon 696 of the LRSAM1 protein (p.Cys696Ser). The cysteine residue is highly conserved and there is a moderate physicochemical difference between cysteine and serine.